The following is an entry in ClinVar:

NM_001211.6(BUB1B):c.340C>T (p.Arg114Ter)

Gene: BUB1B (BUB1 mitotic checkpoint serine/threonine kinase B; plus strand). Cytogenetic location: 15q15.1.
Variant type: single nucleotide variant.
Coding change: c.340C>T on transcript NM_001211.6 (MANE Select); coding-DNA position 340, C replaced by T.
Protein change: p.Arg114Ter; replaces arginine 114 with a stop codon.
Molecular consequence: nonsense.
Genome position (GRCh38, 1-based): chr15:40,170,637, C>T. VCF-style: chr15-40170637-C-T. GRCh37 (hg19) VCF-style: chr15-40462838-C-T.
Other names: short protein forms R114*.
Identifiers: ClinVar variation 434546 (VCV000434546.13), dbSNP rs769350713, ClinGen allele CA7475454.

ClinVar aggregate classification (germline): Pathogenic. Review status: criteria provided, multiple submitters, no conflicts (2 of 4 stars). 2 submissions from 2 submitters: Pathogenic (2). Last evaluated 2026-01-08.

Conditions:
Mosaic variegated aneuploidy syndrome 1 (MVA1). Also called: Warburton-Anyane-Yeboa syndrome. Identifiers: Orphanet 1052, MedGen C1850343, MONDO:0009759, OMIM 257300.

Allele frequency attached by ClinVar (database versions not stated): gnomAD exomes 0.00001 and 0.00002; ExAC 0.00002.

Submissions (2):

Labcorp Genetics (formerly Invitae), Labcorp
Classification: Pathogenic for Mosaic variegated aneuploidy syndrome 1. Last evaluated: 2026-01-08. Review status: criteria provided, single submitter. Criteria: Invitae Variant Classification Sherloc (09022015). Collection method: clinical testing. Allele origin: germline.
Comment: This sequence change creates a premature translational stop signal (p.Arg114*) in the BUB1B gene. It is expected to result in an absent or disrupted protein product. Loss-of-function variants in BUB1B are known to be pathogenic (PMID: 15475955, 21190457). This variant is present in population databases (rs769350713, gnomAD 0.003%). This variant has not been reported in the literature in individuals affected with BUB1B-related conditions. ClinVar contains an entry for this variant (Variation ID: 434546). For these reasons, this variant has been classified as Pathogenic.

Genetic Services Laboratory, University of Chicago
Classification: Pathogenic for Mosaic variegated aneuploidy syndrome 1. Last evaluated: 2016-10-12. Review status: criteria provided, single submitter. Criteria: ACMG Guidelines, 2015. Collection method: clinical testing. Allele origin: germline. Affected: yes.

Literature cited by the submitters: PubMed 15475955 (cited by Labcorp Genetics (formerly Invitae), Labcorp); PubMed 21190457 (cited by Labcorp Genetics (formerly Invitae), Labcorp).